The following is an entry in ClinVar:

ClinVar aggregate classification (germline): Uncertain significance (1 of 4 stars; one submission).

Conditions:
Hereditary cancer-predisposing syndrome. Also called: Tumor predisposition; Hereditary neoplastic syndrome; Hereditary Cancer Syndrome; Neoplastic Syndromes, Hereditary. Identifiers: Orphanet 140162, MedGen C0027672, MeSH D009386, MONDO:0015356.

gnomAD v4.1: 1 of 1,609,918 alleles (0.000062%); highest among the groups gnomAD compares: Non-Finnish European, 0.000085%; no homozygotes.

Submission:

Ambry Genetics
Classification: Uncertain significance for Hereditary cancer-predisposing syndrome. Last evaluated: 2024-03-14. Review status: criteria provided, single submitter. Criteria: Ambry Variant Classification Scheme 2023. Collection method: clinical testing. Allele origin: germline.
Comment: The p.Q192P variant (also known as c.575A>C), located in coding exon 3 of the MSH3 gene, results from an A to C substitution at nucleotide position 575. The glutamine at codon 192 is replaced by proline, an amino acid with similar properties. This amino acid position is conserved. In addition, this alteration is predicted to be tolerated by in silico analysis. Based on the available evidence, the clinical significance of this alteration remains unclear.

NM_002439.5(MSH3):c.575A>C (p.Gln192Pro)

Gene: MSH3 (mutS homolog 3; plus strand). Cytogenetic location: 5q14.1.
Variant type: single nucleotide variant.
Coding change: c.575A>C on transcript NM_002439.5 (MANE Select); coding-DNA position 575, A replaced by C.
Protein change: p.Gln192Pro; replaces glutamine 192 with proline.
Molecular consequence: missense variant.
Genome position (GRCh38, 1-based): chr5:80,665,359, A>C. VCF-style: chr5-80665359-A-C. GRCh37 (hg19) VCF-style: chr5-79961178-A-C.
Other names: short protein forms Q192P.
Identifiers: ClinVar variation 3222304 (VCV003222304.1), dbSNP rs1749547537, ClinGen allele CA360264631.